The following is an entry in ClinVar:

ClinVar aggregate classification (germline): Uncertain significance. Review status: criteria provided, multiple submitters, no conflicts (2 of 4 stars). 6 submissions from 6 submitters: Uncertain significance (6). Last evaluated 2026-07-21.

Conditions:
BBS4-related disorder. Also called: BBS4-related condition.
Inborn genetic diseases. Identifiers: MedGen C0950123, MeSH D030342.
Bardet-Biedl syndrome 4 (BBS4). Identifiers: Orphanet 110, MedGen C2936864, MONDO:0014433, OMIM 615982.
Bardet-Biedl syndrome (BBS). Identifiers: Orphanet 110, MedGen C0752166, MONDO:0015229.

Allele frequency attached by ClinVar (database versions not stated): TOPMed 0.00003; ExAC 0.00005; gnomAD exomes 0.00005 and 0.00010; gnomAD 0.00006.
gnomAD v4.1: 150 of 1,613,764 alleles (0.0093%); highest among the groups gnomAD compares: Non-Finnish European, 0.012%; no homozygotes.

Submissions (6):

PreventionGenetics, part of Exact Sciences
Classification: Uncertain significance for BBS4-related condition. Last evaluated: 2026-07-21. Review status: criteria provided, single submitter. Criteria: ACMG Guidelines, 2015. Collection method: clinical testing. Allele origin: germline.
Comment: The BBS4 c.437T>C variant is predicted to result in the amino acid substitution p.Ile146Thr. To our knowledge, this variant has not been reported in the literature. This variant is reported in 0.012% of alleles in individuals of European (Non-Finnish) descent in gnomAD. At this time, the clinical significance of this variant is uncertain due to the absence of conclusive functional and genetic evidence.

Ambry Genetics
Classification: Uncertain significance for Inborn genetic diseases. Last evaluated: 2024-09-05. Review status: criteria provided, single submitter. Criteria: Ambry Variant Classification Scheme 2023. Collection method: clinical testing. Allele origin: germline.

Labcorp Genetics (formerly Invitae), Labcorp
Classification: Uncertain significance for Bardet-Biedl syndrome. Last evaluated: 2022-07-19. Review status: criteria provided, single submitter. Criteria: Invitae Variant Classification Sherloc (09022015). Collection method: clinical testing. Allele origin: germline.
Comment: This sequence change replaces isoleucine, which is neutral and non-polar, with threonine, which is neutral and polar, at codon 146 of the BBS4 protein (p.Ile146Thr). This variant is present in population databases (rs769886837, gnomAD 0.01%). This variant has not been reported in the literature in individuals affected with BBS4-related conditions. ClinVar contains an entry for this variant (Variation ID: 1063389). Algorithms developed to predict the effect of missense changes on protein structure and function output the following: SIFT: "Tolerated"; PolyPhen-2: "Benign"; Align-GVGD: "Class C0". The threonine amino acid residue is found in multiple mammalian species, which suggests that this missense change does not adversely affect protein function. In summary, the available evidence is currently insufficient to determine the role of this variant in disease. Therefore, it has been classified as a Variant of Uncertain Significance.

Fulgent Genetics
Classification: Uncertain significance for Bardet-Biedl syndrome 4. Last evaluated: 2022-05-18. Review status: criteria provided, single submitter. Criteria: ACMG Guidelines, 2015. Collection method: clinical testing. Allele origin: unknown.

New York Genome Center
Classification: Uncertain significance for Bardet-Biedl syndrome 4. Last evaluated: 2022-03-25. Review status: criteria provided, single submitter. Criteria: NYGC Assertion Criteria 2020. Collection method: clinical testing. Allele origin: germline. Observed: 1 heterozygote.

Breakthrough Genomics
Classification: Uncertain significance. Review status: criteria provided, single submitter. Criteria: ACMG Guidelines, 2015. Collection method: not provided. Allele origin: germline. Inheritance: Autosomal recessive inheritance. Affected: yes.

NM_033028.5(BBS4):c.437T>C (p.Ile146Thr)

Gene: BBS4 (Bardet-Biedl syndrome 4; plus strand). Cytogenetic location: 15q24.1.
Variant type: single nucleotide variant.
Coding change: c.437T>C on transcript NM_033028.5 (MANE Select); coding-DNA position 437, T replaced by C.
Protein change: p.Ile146Thr; replaces isoleucine 146 with threonine.
Molecular consequence: missense variant. On other transcripts: 5 prime UTR variant (1), non-coding transcript variant (2).
Genome position (GRCh38, 1-based): chr15:72,722,825, T>C. VCF-style: chr15-72722825-T-C. GRCh37 (hg19) VCF-style: chr15-73015166-T-C.
Other names: c.437T>C (NM_033028.3, NM_033028.4); c.-80T>C (NM_001252678.2); c.437T>C, p.Ile146Thr (NM_001320665.2); short protein forms I146T.
Identifiers: ClinVar variation 1063389 (VCV001063389.9), dbSNP rs769886837, ClinGen allele CA7646627.